The following is an entry in ClinVar:

ClinVar aggregate classification (germline): Likely pathogenic. Review status: criteria provided, multiple submitters, no conflicts (2 of 4 stars). 2 submissions from 2 submitters: Likely pathogenic (2). Last evaluated 2022-06-23.

Conditions:
Central core myopathy (CMYO1A). Also called: Central core disease; Myopathy, central fibrillar; CONGENITAL MYOPATHY 1A, AUTOSOMAL DOMINANT, WITH SUSCEPTIBILITY TO MALIGNANT HYPERTHERMIA. Identifiers: Orphanet 597, MedGen C5830701, MONDO:0007294, OMIM 117000.

Submissions (2):

Laboratory for Molecular Medicine, Mass General Brigham Personalized Medicine
Classification: Likely pathogenic for Central core myopathy. Last evaluated: 2022-06-23. Review status: criteria provided, single submitter. Criteria: ACMG Guidelines, 2015. Collection method: clinical testing. Allele origin: germline.
Comment: The p.Val4831CysfsX40 in RYR1 has not been previously reported in individuals with RYR1-related myopathies and was absent from large population studies. This variant is predicted to cause a frameshift, which alters the protein’s amino acid sequence beginning at position 4831 and leads to a premature termination codon 40 amino acids downstream. Loss of function variants in the RYR1 gene have been associated with autosomal recessive RYR1 related myopathies (Amburgey 2013 PMID: 23919265). In summary, although additional studies are required to fully establish its clinical significance, this variant meets criteria to be classified as likely pathogenic for autosomal recessive RYR1-related myopathies. ACMG/AMP criteria applied: PVS1, PM2_Supporting.

Revvity Omics, Revvity
Classification: Likely pathogenic. Last evaluated: 2022-05-31. Review status: criteria provided, single submitter. Criteria: ACMG Guidelines, 2015. Collection method: clinical testing. Allele origin: germline.

NM_000540.3(RYR1):c.14490dup (p.Val4831fs)

Gene: RYR1 (ryanodine receptor 1; plus strand). Cytogenetic location: 19q13.2.
Variant type: Duplication.
Coding change: c.14490dup on transcript NM_000540.3 (MANE Select); coding-DNA position 14490, one base duplicated (T; older notation c.14490dupT).
Protein change: p.Val4831fs; shifts the reading frame from valine 4831.
Molecular consequence: frameshift variant.
Genome position (GRCh38, 1-based): chr19:38,580,107, T duplicated. VCF-style (leftmost placement, unchanged base first): chr19-38580106-C-CT. GRCh37 (hg19) VCF-style: chr19-39070746-C-CT.
Other names: c.14475dup, p.Val4826fs (NM_001042723.2); short protein forms V4826fs, V4831fs.
Identifiers: ClinVar variation 1323542 (VCV001323542.5), dbSNP rs2145895408, ClinGen allele CA2573054762.
Genomic context (GRCh38, chr19:38,580,106, plus strand): 5'-TTGCTGCCCATCTCCTGGACATCGCCATGGGGGTCAAGACGCTGCGCACCATCCTGTCCT[C>CT]TGTCACCCACAATGGGAAACAGGTGTGGGGAGGACCTGGCTGTGGGGCGTGGGCCAGCAG-3'